The following is an entry in ClinVar:

NM_198834.3(ACACA):c.5349+23A>G

Gene: ACACA (acetyl-CoA carboxylase alpha; minus strand). Cytogenetic location: 17q12.
Variant type: single nucleotide variant.
Coding change: c.5349+23A>G on transcript NM_198834.3 (MANE Select); 23 bases into the intron after coding-DNA position 5349, A replaced by G.
Molecular consequence: intron variant.
Genome position (GRCh38, 1-based): chr17:37,161,758, T>C on the plus strand (A>G on the coding strand, the complement: ACACA is on the minus strand). VCF-style: chr17-37161758-T-C. GRCh37 (hg19) VCF-style: chr17-35518672-T-C.
Other names: p.?; c.5238+23A>G (NM_198839.3, NM_198836.3); c.5064+23A>G (NM_198837.2); c.5004+23A>G (NM_198838.2).
Identifiers: ClinVar variation 4684204 (VCV004684204.1).

ClinVar aggregate classification (germline): Likely benign (1 of 4 stars; one submission).

gnomAD v4.1: 4,783 of 1,605,814 alleles (0.3%); highest among the groups gnomAD compares: South Asian, 3.3%; 103 homozygotes.

Submission:

Mayo Clinic Laboratories, Mayo Clinic
Classification: Likely benign. Last evaluated: 2025-01-28. Review status: criteria provided, single submitter. Criteria: ACMG Guidelines, 2015. Collection method: clinical testing. Allele origin: germline. Observed: 1 variant allele.
Comment: BA1, BS2, BP7